The following is an entry in ClinVar:

NM_017617.5(NOTCH1):c.6430G>A (p.Gly2144Ser)

Gene: NOTCH1 (notch receptor 1; minus strand). Cytogenetic location: 9q34.3.
Variant type: single nucleotide variant.
Coding change: c.6430G>A on transcript NM_017617.5 (MANE Select); coding-DNA position 6430, G replaced by A.
Protein change: p.Gly2144Ser; replaces glycine 2144 with serine.
Molecular consequence: missense variant.
Genome position (GRCh38, 1-based): chr9:136,497,309, C>T on the plus strand (G>A on the coding strand, the complement: NOTCH1 is on the minus strand). VCF-style: chr9-136497309-C-T. GRCh37 (hg19) VCF-style: chr9-139391761-C-T.
Other names: short protein forms G2144S.
Identifiers: ClinVar variation 2145423 (VCV002145423.5), dbSNP rs776577038, ClinGen allele CA5339901.

ClinVar aggregate classification (germline): Conflicting classifications of pathogenicity. Review status: criteria provided, conflicting classifications (1 of 4 stars). 2 submissions from 2 submitters: Uncertain significance (1); Benign (1). Last evaluated 2025-09-22.

Conditions:
Adams-Oliver syndrome 5 (AOS5). Identifiers: Orphanet 974, MedGen C4014970, MONDO:0014459, OMIM 616028.

Allele frequency attached by ClinVar (database versions not stated): ExAC 0.00003.
gnomAD v4.1: 21 of 1,607,420 alleles (0.0013%); highest among the groups gnomAD compares: Admixed American, 0.0033%; no homozygotes.

Submissions (2):

Labcorp Genetics (formerly Invitae), Labcorp
Classification: Benign for Adams-Oliver syndrome 5. Last evaluated: 2025-09-22. Review status: criteria provided, single submitter. Criteria: Invitae Variant Classification Sherloc (09022015). Collection method: clinical testing. Allele origin: germline.

ARUP Laboratories, Molecular Genetics and Genomics, ARUP Laboratories
Classification: Uncertain significance. Last evaluated: 2024-11-15. Review status: criteria provided, single submitter. Criteria: ARUP Molecular Germline Variant Investigation Process 2024. Collection method: clinical testing. Allele origin: germline.
Comment: The NOTCH1 c.6430G>A; p.Gly2144Ser variant (rs776577038), to our knowledge, is not reported in the medical literature but is reported in ClinVar (Variation ID: 2145423). This variant is found in the general population with an overall allele frequency of 0.002% (4/240,768 alleles) in the Genome Aggregation Database (v2.1.1). Computational analyses are uncertain whether this variant is neutral or deleterious (REVEL: 0.235). Due to limited information, the clinical significance of this variant is uncertain at this time.